The following is an entry in ClinVar:

NM_000388.4(CASR):c.751G>C (p.Glu251Gln)

Gene: CASR (calcium sensing receptor; plus strand). Cytogenetic location: 3q21.1.
Variant type: single nucleotide variant.
Coding change: c.751G>C on transcript NM_000388.4 (MANE Select); coding-DNA position 751, G replaced by C.
Protein change: p.Glu251Gln; replaces glutamic acid 251 with glutamine.
Molecular consequence: missense variant.
Genome position (GRCh38, 1-based): chr3:122,261,786, G>C. VCF-style: chr3-122261786-G-C. GRCh37 (hg19) VCF-style: chr3-121980633-G-C.
Other names: c.751G>C, p.Glu251Gln (NM_001178065.2); short protein forms E251Q.
Identifiers: ClinVar variation 410342 (VCV000410342.48), dbSNP rs1060502854, ClinGen allele CA16611086.

ClinVar aggregate classification (germline): Uncertain significance (1 of 4 stars; one submission).

Conditions:
Autosomal dominant hypocalcemia 1 (HYPOC1). Also called: HYPOCALCEMIA, FAMILIAL. Identifiers: MedGen C3715128, MONDO:0011013, OMIM 601198.
Familial hypocalciuric hypercalcemia (FHH). Also called: Familial benign hypercalcemia. Identifiers: Orphanet 405, MedGen C1809471, MONDO:0018458.

Submission:

Labcorp Genetics (formerly Invitae), Labcorp
Classification: Uncertain significance for Familial hypocalciuric hypercalcemia; Autosomal dominant hypocalcemia 1. Last evaluated: 2016-09-30. Review status: criteria provided, single submitter. Criteria: Invitae Variant Classification Sherloc (09022015). Collection method: clinical testing. Allele origin: germline.
Comment: In summary, this variant is a novel missense change with uncertain impact on protein function. It has been classified as a Variant of Uncertain Significance. Algorithms developed to predict the effect of missense changes on protein structure and function do not agree on the potential impact of this missense change (SIFT: "Deleterious"; PolyPhen-2: "Benign"; Align-GVGD: "Class C25"). This variant is not present in population databases (ExAC no frequency) and has not been reported in the literature in individuals with a CASR-related disease. This sequence change replaces glutamic acid with glutamine at codon 251 of the CASR protein (p.Glu251Gln). The glutamic acid residue is highly conserved and there is a small physicochemical difference between glutamic acid and glutamine.